The following is an entry in ClinVar:

ClinVar aggregate classification (germline): Uncertain significance. Review status: criteria provided, multiple submitters, no conflicts (2 of 4 stars). 2 submissions from 2 submitters: Uncertain significance (2). Last evaluated 2026-02-19.

Conditions:
Intellectual developmental disorder, autosomal dominant 1. Also called: Intellectual disability, autosomal dominant 1; MBD5 Haploinsufficiency. Identifiers: Orphanet 228402, MedGen C1969562, MONDO:0007974, OMIM 156200.
Complex neurodevelopmental disorder. Identifiers: Orphanet 528084, MedGen C5568766, MONDO:0100038.

Allele frequency attached by ClinVar (database versions not stated): gnomAD exomes below 0.00001.
gnomAD v4.1: 1 of 1,613,956 alleles (0.000062%); highest among the groups gnomAD compares: Non-Finnish European, 0.000085%; no homozygotes.

Submissions (2):

Dasa
Classification: Uncertain significance for Complex neurodevelopmental disorder. Last evaluated: 2026-02-19. Review status: criteria provided, single submitter. Criteria: DASA Assertion Criteria. Collection method: clinical testing. Allele origin: germline.
Comment: NM_001378120.1(MBD5):c.2038G>T (p.Val680Phe) is a missense variant that results in the substitution of valine with phenylalanine. This variant is rare in population databases. Computational prediction algorithms are consistent with a benign effect. The currently available literature and clinical evidence are not sufficient to establish a definitive association between this variant and the reported condition. Therefore, this variant is classified as a variant of uncertain significance.

Labcorp Genetics (formerly Invitae), Labcorp
Classification: Uncertain significance for Intellectual developmental disorder, autosomal dominant 1. Last evaluated: 2024-08-05. Review status: criteria provided, single submitter. Criteria: Invitae Variant Classification Sherloc (09022015). Collection method: clinical testing. Allele origin: germline.
Comment: This sequence change replaces valine, which is neutral and non-polar, with phenylalanine, which is neutral and non-polar, at codon 680 of the MBD5 protein (p.Val680Phe). This variant is not present in population databases (gnomAD no frequency). This variant has not been reported in the literature in individuals affected with MBD5-related conditions. ClinVar contains an entry for this variant (Variation ID: 2185508). Advanced modeling of protein sequence and biophysical properties (such as structural, functional, and spatial information, amino acid conservation, physicochemical variation, residue mobility, and thermodynamic stability) performed at Invitae indicates that this missense variant is not expected to disrupt MBD5 protein function with a negative predictive value of 80%. In summary, the available evidence is currently insufficient to determine the role of this variant in disease. Therefore, it has been classified as a Variant of Uncertain Significance.

NM_001378120.1(MBD5):c.2038G>T (p.Val680Phe)

Gene: MBD5 (methyl-CpG binding domain protein 5; plus strand). Cytogenetic location: 2q23.1.
Variant type: single nucleotide variant.
Coding change: c.2038G>T on transcript NM_001378120.1 (MANE Select); coding-DNA position 2038, G replaced by T.
Protein change: p.Val680Phe; replaces valine 680 with phenylalanine.
Molecular consequence: missense variant.
Genome position (GRCh38, 1-based): chr2:148,469,981, G>T. VCF-style: chr2-148469981-G-T. GRCh37 (hg19) VCF-style: chr2-149227550-G-T.
Other names: c.2038G>T, p.Val680Phe (NM_018328.5); short protein forms V680F.
Identifiers: ClinVar variation 2185508 (VCV002185508.6), dbSNP rs2469872622, ClinGen allele CA348720979.